The following is an entry in ClinVar:

ClinVar aggregate classification (germline): Uncertain significance (1 of 4 stars; one submission).

Submission:

Labcorp Genetics (formerly Invitae), Labcorp
Classification: Uncertain significance. Last evaluated: 2022-10-17. Review status: criteria provided, single submitter. Criteria: Invitae Variant Classification Sherloc (09022015). Collection method: clinical testing. Allele origin: germline.
Comment: In summary, the available evidence is currently insufficient to determine the role of this variant in disease. Therefore, it has been classified as a Variant of Uncertain Significance. Advanced modeling of protein sequence and biophysical properties (such as structural, functional, and spatial information, amino acid conservation, physicochemical variation, residue mobility, and thermodynamic stability) performed at Invitae indicates that this missense variant is not expected to disrupt COL9A3 protein function. This variant has not been reported in the literature in individuals affected with COL9A3-related conditions. This variant is not present in population databases (gnomAD no frequency). This sequence change replaces lysine, which is basic and polar, with arginine, which is basic and polar, at codon 678 of the COL9A3 protein (p.Lys678Arg).

NM_001853.4(COL9A3):c.2033A>G (p.Lys678Arg)

Gene: COL9A3 (collagen type IX alpha 3 chain; plus strand). Cytogenetic location: 20q13.33.
Variant type: single nucleotide variant.
Coding change: c.2033A>G on transcript NM_001853.4 (MANE Select); coding-DNA position 2033, A replaced by G.
Protein change: p.Lys678Arg; replaces lysine 678 with arginine.
Molecular consequence: missense variant.
Genome position (GRCh38, 1-based): chr20:62,840,710, A>G. VCF-style: chr20-62840710-A-G. GRCh37 (hg19) VCF-style: chr20-61472062-A-G.
Other names: short protein forms K678R.
Identifiers: ClinVar variation 1968267 (VCV001968267.5), dbSNP rs2516100721, ClinGen allele CA409601997.